The following is an entry in ClinVar:

NM_003073.5(SMARCB1):c.580G>A (p.Glu194Lys)

Gene: SMARCB1 (SWI/SNF related BAF chromatin remodeling complex subunit B1; plus strand). Cytogenetic location: 22q11.23.
Variant type: single nucleotide variant.
Coding change: c.580G>A on transcript NM_003073.5 (MANE Select); coding-DNA position 580, G replaced by A.
Protein change: p.Glu194Lys; replaces glutamic acid 194 with lysine.
Molecular consequence: missense variant.
Genome position (GRCh38, 1-based): chr22:23,803,374, G>A. VCF-style: chr22-23803374-G-A. GRCh37 (hg19) VCF-style: chr22-24145561-G-A.
Other names: c.553G>A, p.Glu185Lys (NM_001007468.3); c.607G>A, p.Glu203Lys (NM_001317946.2); c.634G>A, p.Glu212Lys (NM_001362877.2); short protein forms E185K, E194K, E203K, E212K.
Identifiers: ClinVar variation 4533239 (VCV004533239.1).

ClinVar aggregate classification (germline): Uncertain significance (1 of 4 stars; one submission).

Conditions:
Intellectual disability, autosomal dominant 15 (CSS3). Also called: COFFIN-SIRIS SYNDROME 3. Identifiers: Orphanet 1465, MedGen C3553248, MONDO:0013820, OMIM 614608.

Submission:

Juno Genomics, Hangzhou Juno Genomics, Inc
Classification: Uncertain significance for Intellectual disability, autosomal dominant 15. Review status: criteria provided, single submitter. Criteria: ACMG Guidelines, 2015. Collection method: clinical testing. Allele origin: germline. Affected: yes.
Comment: Absent from controls (or at extremely low frequency if recessive) in Genome Aggregation Database, Exome Sequencing Project, 1000 Genomes Project, or Exome Aggregation Consortium.;Multiple lines of computational evidence support a deleterious effect on the gene or gene product (conservation, evolutionary, splicing impact, etc).;Missense variant in a gene that has a low rate of benign missense variation and where missense variants are a common mechanism of disease.;Assumed de novo, but without confirmation of paternity and maternity.